The following is an entry in ClinVar:

ClinVar aggregate classification (germline): Uncertain significance. Review status: criteria provided, multiple submitters, no conflicts (2 of 4 stars). 3 submissions from 3 submitters: Uncertain significance (3). Last evaluated 2026-01-11.

Conditions:
BBIP1-related disorder. Also called: BBIP1-related condition.
Bardet-Biedl syndrome 18 (BBS18). Identifiers: Orphanet 110, MedGen C3806174, MONDO:0014446, OMIM 615995.

Allele frequency attached by ClinVar (database versions not stated): gnomAD exomes 0.00002 and 0.00006; TOPMed 0.00007.
gnomAD v4.1: 46 of 1,535,826 alleles (0.003%); highest among the groups gnomAD compares: Admixed American, 0.049%; no homozygotes.

Submissions (3):

PreventionGenetics, part of Exact Sciences
Classification: Uncertain significance for BBIP1-related condition. Last evaluated: 2026-01-11. Review status: criteria provided, single submitter. Criteria: ACMG Guidelines, 2015. Collection method: clinical testing. Allele origin: germline.
Comment: The BBIP1 c.175A>C variant is predicted to result in the amino acid substitution p.Lys59Gln. To our knowledge, this variant has not been reported in the literature. This variant is reported in 0.029% of alleles in individuals of Latino descent in gnomAD. At this time, the clinical significance of this variant is uncertain due to the absence of conclusive functional and genetic evidence.

Labcorp Genetics (formerly Invitae), Labcorp
Classification: Uncertain significance. Last evaluated: 2025-12-15. Review status: criteria provided, single submitter. Criteria: Invitae Variant Classification Sherloc (09022015). Collection method: clinical testing. Allele origin: germline.
Comment: This sequence change replaces lysine, which is basic and polar, with glutamine, which is neutral and polar, at codon 59 of the BBIP1 protein (p.Lys59Gln). This variant is present in population databases (no rsID available, gnomAD 0.03%). This variant has not been reported in the literature in individuals affected with BBIP1-related conditions. ClinVar contains an entry for this variant (Variation ID: 1359437). An algorithm developed to predict the effect of missense changes on protein structure and function (PolyPhen-2) suggests that this variant is likely to be disruptive. In summary, the available evidence is currently insufficient to determine the role of this variant in disease. Therefore, it has been classified as a Variant of Uncertain Significance.

Fulgent Genetics
Classification: Uncertain significance for Bardet-Biedl syndrome 18. Last evaluated: 2022-05-13. Review status: criteria provided, single submitter. Criteria: ACMG Guidelines, 2015. Collection method: clinical testing. Allele origin: unknown.

NM_001195305.3(BBIP1):c.175A>C (p.Lys59Gln)

Gene: BBIP1 (BBSome interacting protein 1; minus strand). Cytogenetic location: 10q25.2.
Variant type: single nucleotide variant.
Coding change: c.175A>C on transcript NM_001195305.3 (MANE Select); coding-DNA position 175, A replaced by C.
Protein change: p.Lys59Gln; replaces lysine 59 with glutamine.
Molecular consequence: missense variant. On other transcripts: 3 prime UTR variant (1).
Genome position (GRCh38, 1-based): chr10:110,900,464, T>G on the plus strand (A>C on the coding strand, the complement: BBIP1 is on the minus strand). VCF-style: chr10-110900464-T-G. GRCh37 (hg19) VCF-style: chr10-112660222-T-G.
Other names: c.*20A>C (NM_001195304.2); c.175A>C, p.Lys59Gln (NM_001195306.2); c.100A>C, p.Lys34Gln (NM_001195307.2); c.109A>C, p.Lys37Gln (NM_001243783.3); short protein forms K37Q, K34Q, K59Q.
Identifiers: ClinVar variation 1359437 (VCV001359437.10), dbSNP rs1332007527, ClinGen allele CA378388943.